The following is an entry in ClinVar:

ClinVar aggregate classification (germline): Uncertain significance (1 of 4 stars; one submission).

Allele frequency attached by ClinVar (database versions not stated): gnomAD exomes 0.00001.
gnomAD v4.1: 3 of 1,612,888 alleles (0.00019%); highest among the groups gnomAD compares: African/African-American, 0.0013%; no homozygotes.

Submission:

Labcorp Genetics (formerly Invitae), Labcorp
Classification: Uncertain significance. Last evaluated: 2025-08-10. Review status: criteria provided, single submitter. Criteria: Invitae Variant Classification Sherloc (09022015). Collection method: clinical testing. Allele origin: germline.
Comment: This sequence change replaces threonine, which is neutral and polar, with serine, which is neutral and polar, at codon 2058 of the FN1 protein (p.Thr2058Ser). This variant is not present in population databases (gnomAD no frequency). This variant has not been reported in the literature in individuals affected with FN1-related conditions. ClinVar contains an entry for this variant (Variation ID: 1993874). An algorithm developed to predict the effect of missense changes on protein structure and function (PolyPhen-2) suggests that this variant is likely to be tolerated. In summary, the available evidence is currently insufficient to determine the role of this variant in disease. Therefore, it has been classified as a Variant of Uncertain Significance.

NM_212482.4(FN1):c.6173C>G (p.Thr2058Ser)

Gene: FN1 (fibronectin 1; minus strand). Cytogenetic location: 2q35.
Variant type: single nucleotide variant.
Coding change: c.6173C>G on transcript NM_212482.4 (MANE Select); coding-DNA position 6173, C replaced by G.
Protein change: p.Thr2058Ser; replaces threonine 2058 with serine.
Molecular consequence: missense variant.
Genome position (GRCh38, 1-based): chr2:215,373,396, G>C on the plus strand (C>G on the coding strand, the complement: FN1 is on the minus strand). VCF-style: chr2-215373396-G-C. GRCh37 (hg19) VCF-style: chr2-216238119-G-C.
Other names: c.6173C>G, p.Thr2058Ser (NM_001306129.2); c.5903C>G, p.Thr1968Ser (NM_001306130.2, NM_001365517.2, NM_001365519.2 and 2 more transcripts); c.5630C>G, p.Thr1877Ser (NM_001306131.2, NM_001306132.2, NM_001365523.2 and 2 more transcripts); c.5900C>G, p.Thr1967Ser (NM_001365518.2, NM_001365520.2, NM_001365524.2 and 2 more transcripts); short protein forms T1967S, T2058S, T1877S, T1968S.
Identifiers: ClinVar variation 1993874 (VCV001993874.4), dbSNP rs755812062, ClinGen allele CA350468777.
Genomic context (GRCh38, chr2:215,373,396, plus strand): 5'-CCAATCAGGGGCTCGCTCTTCTGATTATTCTTCAGGGCAATGACATAAATTGTATATTCG[G>C]TTCCCGGTTCCAGGCCTGAAGGGAGAATAGAACCATCACATTATGTCAATGGGCTCAGCT-3'
Protein context (NP_997647.2, residues 2048-2068): EATITGLEPG[Thr2058Ser]EYTIYVIALK